The following is an entry in ClinVar:

ClinVar aggregate classification (germline): Uncertain significance (1 of 4 stars; one submission).

Allele frequency attached by ClinVar (database versions not stated): gnomAD 0.00001; gnomAD exomes 0.00001; ExAC 0.00002; TOPMed 0.00002.
gnomAD v4.1: 11 of 1,597,566 alleles (0.00069%); highest among the groups gnomAD compares: South Asian, 0.0055%; no homozygotes.

Submission:

Labcorp Genetics (formerly Invitae), Labcorp
Classification: Uncertain significance. Last evaluated: 2023-12-19. Review status: criteria provided, single submitter. Criteria: Invitae Variant Classification Sherloc (09022015). Collection method: clinical testing. Allele origin: germline.
Comment: This sequence change affects codon 2866 of the HMCN1 mRNA. It is a 'silent' change, meaning that it does not change the encoded amino acid sequence of the HMCN1 protein. It affects a nucleotide within the consensus splice site. This variant is present in population databases (rs772200898, gnomAD 0.006%). This variant has not been reported in the literature in individuals affected with HMCN1-related conditions. Algorithms developed to predict the effect of sequence changes on RNA splicing suggest that this variant is not likely to affect RNA splicing. In summary, the available evidence is currently insufficient to determine the role of this variant in disease. Therefore, it has been classified as a Variant of Uncertain Significance.

NM_031935.3(HMCN1):c.8598C>T (p.Leu2866=)

Gene: HMCN1 (hemicentin 1; plus strand). Cytogenetic location: 1q31.1.
Variant type: single nucleotide variant.
Coding change: c.8598C>T on transcript NM_031935.3 (MANE Select); coding-DNA position 8598, C replaced by T.
Protein change: p.Leu2866=; no amino-acid change (leucine 2866 retained).
Molecular consequence: synonymous variant.
Genome position (GRCh38, 1-based): chr1:186,078,219, C>T. VCF-style: chr1-186078219-C-T. GRCh37 (hg19) VCF-style: chr1-186047351-C-T.
Identifiers: ClinVar variation 3020126 (VCV003020126.3), dbSNP rs772200898, ClinGen allele CA1293166.